The following is an entry in ClinVar:

ClinVar aggregate classification (germline): Uncertain significance (1 of 4 stars; one submission).

Allele frequency attached by ClinVar (database versions not stated): gnomAD exomes below 0.00001 and 0.00002; TOPMed 0.00002; gnomAD 0.00003 and 0.00004.
gnomAD v4.1: 28 of 1,613,948 alleles (0.0017%); highest among the groups gnomAD compares: African/African-American, 0.0027%; no homozygotes.

Submission:

GeneDx
Classification: Uncertain significance. Last evaluated: 2017-10-06. Review status: criteria provided, single submitter. Criteria: GeneDx Variant Classification (06012015). Collection method: clinical testing. Allele origin: germline. Affected: yes.
Comment: The R720X variant in the MASTL gene has not been reported previously as a pathogenic variant nor as a benign variant, to our knowledge. This variant is predicted to cause loss of normal protein function through protein truncation. The R720X variant is observed in 1/15304 (0.007%) alleles from individuals of African background in the ExAC dataset (Lek et al., 2016). We interpret R720X as a variant of uncertain significance.

NM_001172303.3(MASTL):c.2161C>T (p.Arg721Ter)

Gene: MASTL (microtubule associated serine/threonine kinase like; plus strand). Cytogenetic location: 10p12.1.
Variant type: single nucleotide variant.
Coding change: c.2161C>T on transcript NM_001172303.3 (MANE Select); coding-DNA position 2161, C replaced by T.
Protein change: p.Arg721Ter; replaces arginine 721 with a stop codon.
Molecular consequence: nonsense.
Genome position (GRCh38, 1-based): chr10:27,173,154, C>T. VCF-style: chr10-27173154-C-T. GRCh37 (hg19) VCF-style: chr10-27462083-C-T.
Other names: c.2158C>T, p.Arg720Ter (NM_001172304.3, NM_001320756.2, NM_032844.5); c.2161C>T, p.Arg721Ter (NM_001320757.2); c.1678C>T, p.Arg560Ter (NM_001372029.1, NM_001372030.1); short protein forms R720*, R721*, R560*.
Identifiers: ClinVar variation 449054 (VCV000449054.2), dbSNP rs1316813285, ClinGen allele CA376388674.